The following is an entry in ClinVar:

ClinVar aggregate classification (germline): Uncertain significance (1 of 4 stars; one submission).

Submission:

Labcorp Genetics (formerly Invitae), Labcorp
Classification: Uncertain significance. Last evaluated: 2025-11-22. Review status: criteria provided, single submitter. Criteria: Invitae Variant Classification Sherloc (09022015). Collection method: clinical testing. Allele origin: germline.
Comment: This sequence change replaces glutamic acid, which is acidic and polar, with aspartic acid, which is acidic and polar, at codon 675 of the PRDM13 protein (p.Glu675Asp). This variant is not present in population databases (gnomAD no frequency). This variant has not been reported in the literature in individuals affected with PRDM13-related conditions. ClinVar contains an entry for this variant (Variation ID: 2001450). An algorithm developed to predict the effect of missense changes on protein structure and function outputs the following: PolyPhen-2: "Benign". The aspartic acid amino acid residue is found in multiple mammalian species, which suggests that this missense change does not adversely affect protein function. In summary, the available evidence is currently insufficient to determine the role of this variant in disease. Therefore, it has been classified as a Variant of Uncertain Significance.

NM_021620.4(PRDM13):c.2025G>T (p.Glu675Asp)

Gene: PRDM13 (PR/SET domain 13; plus strand). Cytogenetic location: 6q16.2.
Variant type: single nucleotide variant.
Coding change: c.2025G>T on transcript NM_021620.4 (MANE Select); coding-DNA position 2025, G replaced by T.
Protein change: p.Glu675Asp; replaces glutamic acid 675 with aspartic acid.
Molecular consequence: missense variant.
Genome position (GRCh38, 1-based): chr6:99,614,660, G>T. VCF-style: chr6-99614660-G-T. GRCh37 (hg19) VCF-style: chr6-100062536-G-T.
Other names: short protein forms E675D.
Identifiers: ClinVar variation 2001450 (VCV002001450.4), dbSNP rs2538548200, ClinGen allele CA365122662.